The following is an entry in ClinVar:

NM_006516.4(SLC2A1):c.752T>C (p.Met251Thr)

Gene: SLC2A1 (solute carrier family 2 member 1; minus strand). Cytogenetic location: 1p34.2.
Variant type: single nucleotide variant.
Coding change: c.752T>C on transcript NM_006516.4 (MANE Select); coding-DNA position 752, T replaced by C.
Protein change: p.Met251Thr; replaces methionine 251 with threonine.
Molecular consequence: missense variant.
Genome position (GRCh38, 1-based): chr1:42,929,708, A>G on the plus strand (T>C on the coding strand, the complement: SLC2A1 is on the minus strand). VCF-style: chr1-42929708-A-G. GRCh37 (hg19) VCF-style: chr1-43395379-A-G.
Other names: short protein forms M251T.
Identifiers: ClinVar variation 1722944 (VCV001722944.3), dbSNP rs749226083, ClinGen allele CA803459.

ClinVar aggregate classification (germline): Uncertain significance (1 of 4 stars; one submission).

Allele frequency attached by ClinVar (database versions not stated): gnomAD 0.00001; TOPMed 0.00001; ExAC 0.00003.
gnomAD v4.1: 14 of 1,613,808 alleles (0.00087%); highest among the groups gnomAD compares: African/African-American, 0.0013%; no homozygotes.

Submission:

GeneDx
Classification: Uncertain significance. Last evaluated: 2024-04-17. Review status: criteria provided, single submitter. Criteria: GeneDx Variant Classification Process June 2021. Collection method: clinical testing. Allele origin: germline. Affected: yes.
Comment: Not observed at significant frequency in large population cohorts (gnomAD); In silico analysis supports that this missense variant has a deleterious effect on protein structure/function; Has not been previously published as pathogenic or benign to our knowledge